The following is an entry in ClinVar:

NM_007194.4(CHEK2):c.1563del (p.Arg523fs)

Gene: CHEK2 (checkpoint kinase 2; minus strand). Cytogenetic location: 22q12.1.
Variant type: Deletion.
Coding change: c.1563del on transcript NM_007194.4 (MANE Select); coding-DNA position 1563, one base deleted (G; older notation c.1563delG).
Protein change: p.Arg523fs; shifts the reading frame from arginine 523.
Molecular consequence: frameshift variant.
Genome position (GRCh38, 1-based): chr22:28,687,966, C deleted on the plus strand (G on the coding strand, the reverse complement: CHEK2 is on the minus strand); the first of 2 consecutive C bases (chr22:28,687,966-28,687,967); deleting either gives the same sequence. VCF-style (leftmost placement, unchanged base first): chr22-28687965-GC-G. GRCh37 (hg19) VCF-style: chr22-29083953-GC-G.
Other names: c.1563del (NM_007194.3); c.1691delG, p.Arg566Valfs (NM_001005735.3); c.899delG, p.Arg302Valfs (NM_001257387.3); c.1361delG, p.Arg456Valfs (NM_001349956.3); c.1475delG, p.Arg494Valfs (NM_145862.3); short protein forms R302fs, R523fs, R566fs, R456fs, R494fs.
Identifiers: ClinVar variation 185645 (VCV000185645.21), dbSNP rs786202339, ClinGen allele CA192516.

ClinVar aggregate classification (germline): Uncertain significance. Review status: criteria provided, multiple submitters, no conflicts (2 of 4 stars). 5 submissions from 5 submitters: Uncertain significance (5). Last evaluated 2025-12-08.

Conditions:
Hereditary cancer-predisposing syndrome. Also called: Hereditary neoplastic syndrome; Neoplastic Syndromes, Hereditary; Tumor predisposition; Hereditary Cancer Syndrome. Identifiers: Orphanet 140162, MedGen C0027672, MeSH D009386, MONDO:0015356.
Familial cancer of breast. Also called: BREAST CANCER, FAMILIAL; Hereditary breast cancer; hereditary breast carcinoma. Identifiers: Orphanet 227535, MedGen C0346153, MONDO:0016419, OMIM 114480. Disease mechanism: loss of function.

Submissions (5):

Labcorp Genetics (formerly Invitae), Labcorp
Classification: Uncertain significance for Familial cancer of breast. Last evaluated: 2025-12-08. Review status: criteria provided, single submitter. Criteria: Invitae Variant Classification Sherloc (09022015). Collection method: clinical testing. Allele origin: germline.
Comment: This sequence change is expected to alter the c-terminus of the CHEK2 protein (p.Arg523Valfs*43). While this is not anticipated to result in nonsense mediated decay, it is expected to disrupt the last 21 amino acid(s) of the CHEK2 protein and extend the protein by 21 additional amino acid residues. The frequency data for this variant in the population databases is considered unreliable, as metrics indicate poor data quality at this position in the gnomAD database. This frameshift has been observed in individual(s) with ovarian cancer (PMID: 28888541). ClinVar contains an entry for this variant (Variation ID: 185645). Experimental studies and prediction algorithms are not available or were not evaluated, and the functional significance of this variant is currently unknown. The last exon of the CHEK2 gene contains coding sequences for a nuclear localization signal (NLS, residues 515-522), which is necessary for CHEK2 cellular functioning in the nucleus (PMID: 12909615, 18004398). This variant causes a frameshift at codon 523 and is not expected to affect the NLS, but it may affect protein structure and/or stability. Experimental studies have not been performed to test its effect on protein function. In summary, the available evidence is currently insufficient to determine the role of this variant in disease. Therefore, it has been classified as a Variant of Uncertain Significance.

Ambry Genetics
Classification: Uncertain significance for Hereditary cancer-predisposing syndrome. Last evaluated: 2025-09-24. Review status: criteria provided, single submitter. Criteria: Ambry Variant Classification Scheme 2023. Collection method: clinical testing. Allele origin: germline.
Comment: The c.1563delG variant, located in coding exon 14 of the CHEK2 gene, results from a deletion of one nucleotide at nucleotide position 1563, causing a translational frameshift with a predicted alternate stop codon (p.R523Vfs*43). This alteration occurs at the 3' terminus of the gene, is not expected to trigger nonsense-mediated mRNAdecay and results in the elongation of the protein by 21 amino acids. This frameshift impacts the last 4% of the native protein. The exact functional effect of the altered amino acids is unknown. The altered amino acids are not predicted to disrupt the nuclear localization signal of the protein (Zannini L et al. J Biol Chem, 2003 Oct;278:42346-51). Based on the available evidence, the clinical significance of this variant remains unclear.

Color Diagnostics, LLC DBA Color Health
Classification: Uncertain significance for Hereditary cancer-predisposing syndrome. Last evaluated: 2025-07-28. Review status: criteria provided, single submitter. Criteria: ACMG Guidelines, 2015. Collection method: clinical testing. Allele origin: germline.
Comment: This variant deletes 1 nucleotide in exon 15 of the CHEK2 gene, creating a frameshift and premature translation stop signal in the last exon. This variant is expected to result in the replacement of the last 21 amino acids of CHEK2 protein with alternate amino acid residues and the elongation of the encoded protein by 21 additional amino acids. To our knowledge, functional studies have not been reported for this variant. This variant has not been reported in individuals affected with CHEK2-related disorders in the literature. This variant has not been identified in the general population by the Genome Aggregation Database (gnomAD). The available evidence is insufficient to determine the role of this variant in disease conclusively. Therefore, this variant is classified as a Variant of Uncertain Significance.

Institute of Human Genetics, University of Leipzig Medical Center
Classification: Uncertain significance for Familial cancer of breast. Last evaluated: 2023-02-10. Review status: criteria provided, single submitter. Criteria: ACMG Guidelines, 2015. Collection method: clinical testing. Allele origin: unknown. Affected: yes.
Comment: _x000D_ Criteria applied: PM4, PM2_SUP

GeneDx
Classification: Uncertain significance. Last evaluated: 2019-12-20. Review status: criteria provided, single submitter. Criteria: GeneDx Variant Classification Process June 2021. Collection method: clinical testing. Allele origin: germline. Affected: yes.
Comment: Not observed in large population cohorts (Lek et al., 2016); Frameshift variant predicted to result in protein truncation as the last 21 amino acids are lost and replaced with 42 incorrect amino acids, although loss-of-function variants have not been reported downstream of this position in the protein; Has not been previously published as pathogenic or benign to our knowledge; This variant is associated with the following publications: (PMID: 12909615, 18004398)

Literature cited by the submitters: PubMed 28888541 (cited by Labcorp Genetics (formerly Invitae), Labcorp); PubMed 12909615 (cited by Labcorp Genetics (formerly Invitae), Labcorp); PubMed 18004398 (cited by Labcorp Genetics (formerly Invitae), Labcorp).